The following is an entry in ClinVar:

ClinVar aggregate classification (germline): Uncertain significance (1 of 4 stars; one submission).

Conditions:
GM3 synthase deficiency (SPDRS). Also called: SALT AND PEPPER MENTAL RETARDATION SYNDROME; SALT AND PEPPER DEVELOPMENTAL REGRESSION SYNDROME; AMISH INFANTILE EPILEPSY SYNDROME. Identifiers: Orphanet 171714, Orphanet 370933, MedGen C1836824, MONDO:0018274, OMIM 609056.

Submission:

Labcorp Genetics (formerly Invitae), Labcorp
Classification: Uncertain significance for GM3 synthase deficiency. Last evaluated: 2019-09-14. Review status: criteria provided, single submitter. Criteria: Invitae Variant Classification Sherloc (09022015). Collection method: clinical testing. Allele origin: germline.
Comment: In summary, the available evidence is currently insufficient to determine the role of this variant in disease. Therefore, it has been classified as a Variant of Uncertain Significance. Algorithms developed to predict the effect of missense changes on protein structure and function (SIFT, PolyPhen-2, Align-GVGD) all suggest that this variant is likely to be tolerated, but these predictions have not been confirmed by published functional studies and their clinical significance is uncertain. This variant has not been reported in the literature in individuals with ST3GAL5-related disease. This variant is not present in population databases (ExAC no frequency). This sequence change replaces threonine with isoleucine at codon 173 of the ST3GAL5 protein (p.Thr173Ile). The threonine residue is moderately conserved and there is a moderate physicochemical difference between threonine and isoleucine.

NM_003896.4(ST3GAL5):c.518C>T (p.Thr173Ile)

Gene: ST3GAL5 (ST3 beta-galactoside alpha-2,3-sialyltransferase 5; minus strand). Cytogenetic location: 2p11.2.
Variant type: single nucleotide variant.
Coding change: c.518C>T on transcript NM_003896.4 (MANE Select); coding-DNA position 518, C replaced by T.
Protein change: p.Thr173Ile; replaces threonine 173 with isoleucine.
Molecular consequence: missense variant. On other transcripts: 5 prime UTR variant (1).
Genome position (GRCh38, 1-based): chr2:85,848,005, G>A on the plus strand (C>T on the coding strand, the complement: ST3GAL5 is on the minus strand). VCF-style: chr2-85848005-G-A. GRCh37 (hg19) VCF-style: chr2-86075128-G-A.
Other names: c.449C>T, p.Thr150Ile (NM_001042437.2); c.134C>T, p.Thr45Ile (NM_001354223.2, NM_001354224.2, NM_001354226.2 and 3 more transcripts); c.434C>T, p.Thr145Ile (NM_001354227.2, NM_001354229.2, NM_001354238.1); c.-387C>T (NM_001354247.1); c.518C>T, p.Thr173Ile (NM_001363847.1); short protein forms T173I, T145I, T45I, T150I.
Identifiers: ClinVar variation 583064 (VCV000583064.9), dbSNP rs1558653854, ClinGen allele CA347532242.